The following is an entry in ClinVar:

ClinVar aggregate classification (germline): Uncertain significance (1 of 4 stars; one submission).

Conditions:
Desmin-related myofibrillar myopathy (MFM1). Also called: Desminopathy; Desmin related myopathy (former name); Desmin storage myopathy (former name); MYOFIBRILLAR MYOPATHY WITH ARRHYTHMOGENIC RIGHT VENTRICULAR CARDIOMYOPATHY; Myofibrillar myopathy 1; DESMIN-RELATED MYOPATHY WITH ARRHYTHMOGENIC RIGHT VENTRICULAR CARDIOMYOPATHY. Identifiers: Orphanet 363543, Orphanet 98909, MedGen C1832370, MONDO:0011076, OMIM 601419.

Submission:

Labcorp Genetics (formerly Invitae), Labcorp
Classification: Uncertain significance for Desmin-related myofibrillar myopathy. Last evaluated: 2023-08-23. Review status: criteria provided, single submitter. Criteria: Invitae Variant Classification Sherloc (09022015). Collection method: clinical testing. Allele origin: germline.
Comment: In summary, the available evidence is currently insufficient to determine the role of this variant in disease. Therefore, it has been classified as a Variant of Uncertain Significance. Advanced modeling of protein sequence and biophysical properties (such as structural, functional, and spatial information, amino acid conservation, physicochemical variation, residue mobility, and thermodynamic stability) has been performed at Invitae for this missense variant, however the output from this modeling did not meet the statistical confidence thresholds required to predict the impact of this variant on DES protein function. This variant has not been reported in the literature in individuals affected with DES-related conditions. This variant is not present in population databases (gnomAD no frequency). This sequence change replaces threonine, which is neutral and polar, with alanine, which is neutral and non-polar, at codon 450 of the DES protein (p.Thr450Ala).

NM_001927.4(DES):c.1348A>G (p.Thr450Ala)

Gene: DES (desmin; plus strand). Cytogenetic location: 2q35.
Variant type: single nucleotide variant.
Coding change: c.1348A>G on transcript NM_001927.4 (MANE Select); coding-DNA position 1348, A replaced by G.
Protein change: p.Thr450Ala; replaces threonine 450 with alanine.
Molecular consequence: missense variant.
Genome position (GRCh38, 1-based): chr2:219,425,722, A>G. VCF-style: chr2-219425722-A-G. GRCh37 (hg19) VCF-style: chr2-220290444-A-G.
Other names: c.1345A>G, p.Thr449Ala (NM_001382708.1); c.916A>G, p.Thr306Ala (NM_001382709.1); c.1279A>G, p.Thr427Ala (NM_001382710.1); c.1327A>G, p.Thr443Ala (NM_001382711.1); c.1348A>G, p.Thr450Ala (NM_001382712.1); c.1078A>G, p.Thr360Ala (NM_001382713.1); short protein forms T306A, T443A, T360A, T427A, T449A, T450A.
Identifiers: ClinVar variation 2934583 (VCV002934583.1), dbSNP rs2545263815, ClinGen allele CA350698686.